The following is an entry in ClinVar:

ClinVar aggregate classification (germline): Likely benign. Review status: criteria provided, multiple submitters, no conflicts (2 of 4 stars). 2 submissions from 2 submitters: Likely benign (2). Last evaluated 2025-12-21.

Conditions:
COL4A1-related disorder. Also called: COL4A1-related disorders; COL4A1-related condition. Identifiers: MedGen CN376119, MONDO:0800461.

Allele frequency attached by ClinVar (database versions not stated): TOPMed 0.00017; 1000 Genomes Project 0.00040; 1000 Genomes Project 30x 0.00047; gnomAD exomes 0.00001; ExAC 0.00002; ESP Exome Variant Server 0.00008; gnomAD 0.00013.
gnomAD v4.1: 41 of 1,611,582 alleles (0.0025%); highest among the groups gnomAD compares: African/African-American, 0.039%; no homozygotes.

Submissions (2):

Labcorp Genetics (formerly Invitae), Labcorp
Classification: Likely benign. Last evaluated: 2025-12-21. Review status: criteria provided, single submitter. Criteria: Invitae Variant Classification Sherloc (09022015). Collection method: clinical testing. Allele origin: germline.

PreventionGenetics, part of Exact Sciences
Classification: Likely benign for COL4A1-related condition. Last evaluated: 2024-10-17. Review status: criteria provided, single submitter. Criteria: ACMG Guidelines, 2015. Collection method: clinical testing. Allele origin: germline.
Comment: This variant is classified as likely benign based on ACMG/AMP sequence variant interpretation guidelines (Richards et al. 2015 PMID: 25741868, with internal and published modifications).

NM_001845.6(COL4A1):c.3999T>C (p.Asp1333=)

Gene: COL4A1 (collagen type IV alpha 1 chain; minus strand). Cytogenetic location: 13q34.
Variant type: single nucleotide variant.
Coding change: c.3999T>C on transcript NM_001845.6 (MANE Select); coding-DNA position 3999, T replaced by C.
Protein change: p.Asp1333=; no amino-acid change (aspartic acid 1333 retained).
Molecular consequence: synonymous variant.
Genome position (GRCh38, 1-based): chr13:110,166,254, A>G on the plus strand (T>C on the coding strand, the complement: COL4A1 is on the minus strand). VCF-style: chr13-110166254-A-G. GRCh37 (hg19) VCF-style: chr13-110818601-A-G.
Other names: c.3999T>C (NM_001845.5).
Identifiers: ClinVar variation 2046098 (VCV002046098.5), dbSNP rs141773246, ClinGen allele CA7047071.
Genomic context (GRCh38, chr13:110,166,254, plus strand): 5'-CACCAGTAAGGTGTCCACAGATCAACAAACTCTCCTACCTTTAGCTCCCGGGACGCCTTG[A>G]TCGCCTTGATCACCTTTAATTCCCTGGAGGCCAGGAAGACCTTTTGGACCTAAAAGCAGA-3'
Protein context (NP_001836.3, residues 1323-1343): GLQGIKGDQG[Asp1333=]QGVPGAKGLP